The following is an entry in ClinVar:

ClinVar aggregate classification (germline): Conflicting classifications of pathogenicity. Review status: criteria provided, conflicting classifications (1 of 4 stars). 6 submissions from 6 submitters: Uncertain significance (4); Likely benign (2). Last evaluated 2025-05-24.

Conditions:
Hereditary cancer-predisposing syndrome. Also called: Hereditary Cancer Syndrome; Hereditary neoplastic syndrome; Neoplastic Syndromes, Hereditary; Tumor predisposition. Identifiers: Orphanet 140162, MedGen C0027672, MeSH D009386, MONDO:0015356.
Hereditary breast ovarian cancer syndrome. Also called: Hereditary breast and/or ovarian cancer syndrome; Breast and ovarian cancer; BRCA1- and BRCA2-Associated Hereditary Breast and Ovarian Cancer; Hereditary breast and ovarian cancer syndrome; Hereditary breast and ovarian cancer syndrome (HBOC); Hereditary breast and ovarian cancer. Identifiers: Orphanet 145, MedGen C0677776, MeSH D061325, MONDO:0003582. Disease mechanism: loss of function.

Submissions (6):

Ambry Genetics
Classification: Uncertain significance for Hereditary cancer-predisposing syndrome. Last evaluated: 2025-05-24. Review status: criteria provided, single submitter. Criteria: Ambry Variant Classification Scheme 2023. Collection method: clinical testing. Allele origin: germline.
Comment: The p.H1332Y variant (also known as c.3994C>T), located in coding exon 10 of the BRCA2 gene, results from a C to T substitution at nucleotide position 3994. The histidine at codon 1332 is replaced by tyrosine, an amino acid with similar properties. This amino acid position is poorly conserved in available vertebrate species. In addition, this alteration is predicted to be tolerated by in silico analysis. Since supporting evidence is limited at this time, the clinical significance of this alteration remains unclear.

Women's Health and Genetics/Laboratory Corporation of America, LabCorp
Classification: Uncertain significance. Last evaluated: 2024-06-07. Review status: criteria provided, single submitter. Criteria: LabCorp Variant Classification Summary - May 2015. Collection method: clinical testing. Allele origin: germline.
Comment: Variant summary: BRCA2 c.3994C>T (p.His1332Tyr) results in a conservative amino acid change in the encoded protein sequence. Five of five in-silico tools predict a benign effect of the variant on protein function. The variant was absent in 228162 control chromosomes (gnomAD). The available data on variant occurrences in the general population are insufficient to allow any conclusion about variant significance. c.3994C>T has been reported in the literature in an individual(s) affected with breast cancer without evidence of causality (Lattimore_2021). This report does not provide unequivocal conclusions about association of the variant with Hereditary Breast And Ovarian Cancer Syndrome. To our knowledge, no experimental evidence demonstrating an impact on protein function has been reported. The following publication have been ascertained in the context of this evaluation (PMID: 33113089). ClinVar contains an entry for this variant (Variation ID: 216245). Based on the evidence outlined above, the variant was classified as uncertain significance.

German Consortium for Hereditary Breast and Ovarian Cancer, University Hospital Cologne
Classification: Likely benign for Hereditary breast ovarian cancer syndrome. Last evaluated: 2024-02-15. Review status: criteria provided, single submitter. Criteria: ClinGen BRCA2 V1.0.0. Collection method: curation. Allele origin: germline.
Comment: According to the ClinGen ENIGMA BRCA2 v1.0.0 criteria we chose these criteria: PM2 (supporting pathogenic): not in gnomAD, BP1 (strong benign): missense outside a (potentially) clinically important functional domain AND no splicing predicted (SpliceAI ≤0.1).

University of Washington Department of Laboratory Medicine, University of Washington
Classification: Likely benign for Hereditary cancer-predisposing syndrome. Last evaluated: 2023-03-23. Review status: criteria provided, single submitter. Criteria: Dines et al. (Genet Med. 2020). Collection method: curation. Allele origin: germline.
Comment: Missense variant in a coldspot region where missense variants are very unlikely to be pathogenic (PMID:31911673).

BRCA2 exon 11 coldspot. Reclassification based on statistical prior probability.

Labcorp Genetics (formerly Invitae), Labcorp
Classification: Uncertain significance for Hereditary breast ovarian cancer syndrome. Last evaluated: 2020-01-09. Review status: criteria provided, single submitter. Criteria: Invitae Variant Classification Sherloc (09022015). Collection method: clinical testing. Allele origin: germline.
Comment: In summary, the available evidence is currently insufficient to determine the role of this variant in disease. Therefore, it has been classified as a Variant of Uncertain Significance. Algorithms developed to predict the effect of missense changes on protein structure and function output the following: SIFT: "Tolerated"; PolyPhen-2: "Benign"; Align-GVGD: "Class C0". The tyrosine amino acid residue is found in multiple mammalian species, suggesting that this missense change does not adversely affect protein function. These predictions have not been confirmed by published functional studies and their clinical significance is uncertain. This variant has not been reported in the literature in individuals with BRCA2-related conditions. ClinVar contains an entry for this variant (Variation ID: 216245). This variant is not present in population databases (ExAC no frequency). This sequence change replaces histidine with tyrosine at codon 1332 of the BRCA2 protein (p.His1332Tyr). The histidine residue is weakly conserved and there is a moderate physicochemical difference between histidine and tyrosine.

Color Diagnostics, LLC DBA Color Health
Classification: Uncertain significance for Hereditary cancer-predisposing syndrome. Last evaluated: 2019-05-30. Review status: criteria provided, single submitter. Criteria: ACMG Guidelines, 2015. Collection method: clinical testing. Allele origin: germline.

Literature cited by the submitters: PubMed 33113089 (cited by Women's Health and Genetics/Laboratory Corporation of America, LabCorp).

NM_000059.4(BRCA2):c.3994C>T (p.His1332Tyr)

Gene: BRCA2 (BRCA2 DNA repair associated; plus strand). Cytogenetic location: 13q13.1.
Variant type: single nucleotide variant.
Coding change: c.3994C>T on transcript NM_000059.4 (MANE Select); coding-DNA position 3994, C replaced by T.
Protein change: p.His1332Tyr; replaces histidine 1332 with tyrosine.
Molecular consequence: missense variant.
Genome position (GRCh38, 1-based): chr13:32,338,349, C>T. VCF-style: chr13-32338349-C-T. GRCh37 (hg19) VCF-style: chr13-32912486-C-T.
Other names: short protein forms H1332Y.
Identifiers: ClinVar variation 216245 (VCV000216245.17), dbSNP rs863224588, ClinGen allele CA336760.
Genomic context (GRCh38, chr13:32,338,349, plus strand): 5'-AATTACAAGAGAAATACTGAAAATGAAGATAACAAATATACTGCTGCCAGTAGAAATTCT[C>T]ATAACTTAGAATTTGATGGCAGTGATTCAAGTAAAAATGATACTGTTTGTATTCATAAAG-3'
Protein context (NP_000050.3, residues 1322-1342): NKYTAASRNS[His1332Tyr]NLEFDGSDSS